The following is an entry in ClinVar:

NM_001040108.2(MLH3):c.1071A>C (p.Leu357Phe)

Gene: MLH3 (mutL homolog 3; minus strand). Cytogenetic location: 14q24.3.
Variant type: single nucleotide variant.
Coding change: c.1071A>C on transcript NM_001040108.2 (MANE Select); coding-DNA position 1071, A replaced by C.
Protein change: p.Leu357Phe; replaces leucine 357 with phenylalanine.
Molecular consequence: missense variant.
Genome position (GRCh38, 1-based): chr14:75,048,585, T>G on the plus strand (A>C on the coding strand, the complement: MLH3 is on the minus strand). VCF-style: chr14-75048585-T-G. GRCh37 (hg19) VCF-style: chr14-75515288-T-G.
Other names: c.1071A>C, p.Leu357Phe (NM_014381.3); short protein forms L357F.
Identifiers: ClinVar variation 1783409 (VCV001783409.3), dbSNP rs373915800, ClinGen allele CA7275927.

ClinVar aggregate classification (germline): Uncertain significance. Review status: criteria provided, single submitter (1 of 4 stars). 2 submissions from 2 submitters: Uncertain significance (1). 1 of the submissions does not count toward it. Last evaluated 2024-02-02.

Conditions:
MLH3-related disorder. Also called: MLH3-related condition.

Allele frequency attached by ClinVar (database versions not stated): gnomAD 0.00001; ExAC 0.00002; TOPMed 0.00002; ESP Exome Variant Server 0.00008.
gnomAD v4.1: 2 of 1,613,936 alleles (0.00012%); highest among the groups gnomAD compares: African/African-American, 0.0027%; no homozygotes.

Submissions (2):

Ambry Genetics
Classification: Uncertain significance. Last evaluated: 2024-02-02. Review status: criteria provided, single submitter. Criteria: Ambry Variant Classification Scheme 2023. Collection method: clinical testing. Allele origin: germline.
Comment: The p.L357F variant (also known as c.1071A>C), located in coding exon 1 of the MLH3 gene, results from an A to C substitution at nucleotide position 1071. The leucine at codon 357 is replaced by phenylalanine, an amino acid with highly similar properties. This amino acid position is conserved. In addition, this alteration is predicted to be tolerated by in silico analysis. Since supporting evidence is limited at this time, the clinical significance of this alteration remains unclear.

PreventionGenetics, part of Exact Sciences
Classification: Uncertain significance for MLH3-related condition. Last evaluated: 2024-05-02. Review status: no assertion criteria provided. Collection method: clinical testing. Allele origin: germline. Not counted in ClinVar's aggregate classification.
Comment: The MLH3 c.1071A>C variant is predicted to result in the amino acid substitution p.Leu357Phe. To our knowledge, this variant has not been reported in the literature. This variant is reported in 0.019% of alleles in individuals of African descent in gnomAD and is listed in ClinVar as variant of uncertain significance (. Although we suspect that this variant may be benign, at this time, the clinical significance of this variant is uncertain due to the absence of conclusive functional and genetic evidence.